The following is an entry in ClinVar:

NM_001875.5(CPS1):c.2975T>G (p.Phe992Cys)

Gene: CPS1 (carbamoyl-phosphate synthase 1; plus strand). Cytogenetic location: 2q34.
Variant type: single nucleotide variant.
Coding change: c.2975T>G on transcript NM_001875.5 (MANE Select); coding-DNA position 2975, T replaced by G.
Protein change: p.Phe992Cys; replaces phenylalanine 992 with cysteine.
Molecular consequence: missense variant. On other transcripts: non-coding transcript variant (2).
Genome position (GRCh38, 1-based): chr2:210,642,499, T>G. VCF-style: chr2-210642499-T-G. GRCh37 (hg19) VCF-style: chr2-211507223-T-G.
Other names: c.2975T>G, p.Phe992Cys (NM_001122633.3, NM_001369257.1); c.3008T>G, p.Phe1003Cys (NM_001369256.1); short protein forms F1003C, F992C.
Identifiers: ClinVar variation 3767781 (VCV003767781.2).
Genomic context (GRCh38, chr2:210,642,499, plus strand): 5'-TTCGTGCTTCTCTTATCCCTTTTGCCAATCTCATTGTCTCTGCAGGCAGCAGTGTGGAAT[T>G]TGATTGGTGTGCTGTCTCTAGTATCCGCACACTGCGTCAACTTGGCAAGAAGACGGTGGT-3'
Protein context (NP_001866.2, residues 982-1002): GPYHIGSSVE[Phe992Cys]DWCAVSSIRT

ClinVar aggregate classification (germline): Uncertain significance (1 of 4 stars; one submission).

Submission:

GeneDx
Classification: Uncertain significance. Last evaluated: 2026-08-19. Review status: criteria provided, single submitter. Criteria: GeneDx Variant Classification Process June 2021. Collection method: clinical testing. Allele origin: germline.
Comment: Not observed at significant frequency in large population cohorts (gnomAD); In silico analysis supports that this missense variant has a deleterious effect on protein structure/function; Has not been previously published as pathogenic or benign to our knowledge